The following is an entry in ClinVar:

NM_004006.3(DMD):c.388G>T (p.Gly130Ter)

Gene: DMD (dystrophin; minus strand). Cytogenetic location: Xp21.1.
Variant type: single nucleotide variant.
Coding change: c.388G>T on transcript NM_004006.3 (MANE Select); coding-DNA position 388, G replaced by T.
Protein change: p.Gly130Ter; replaces glycine 130 with a stop codon.
Molecular consequence: nonsense.
Genome position (GRCh38, 1-based): chrX:32,816,610, C>A on the plus strand (G>T on the coding strand, the complement: DMD is on the minus strand). VCF-style: chrX-32816610-C-A. GRCh37 (hg19) VCF-style: chrX-32834727-C-A.
Other names: c.364G>T, p.Gly122Ter (NM_000109.4); c.376G>T, p.Gly126Ter (NM_004009.3); c.19G>T, p.Gly7Ter (NM_004010.3); c.388G>T (NM_004006.2); short protein forms G122*, G126*, G130*, G7*.
Identifiers: ClinVar variation 1072628 (VCV001072628.9), dbSNP rs2148807631, ClinGen allele CA412674323.

ClinVar aggregate classification (germline): Pathogenic/Likely pathogenic. Review status: criteria provided, multiple submitters, no conflicts (2 of 4 stars). 2 submissions from 2 submitters: Pathogenic (1); Likely pathogenic (1). Last evaluated 2023-04-11.

Conditions:
Duchenne muscular dystrophy (DMD). Also called: MUSCULAR DYSTROPHY, PSEUDOHYPERTROPHIC PROGRESSIVE, DUCHENNE TYPE; Duchenne Muscular Dystrophy (DMD). Identifiers: Orphanet 98896, MedGen C0013264, MONDO:0010679, OMIM 310200.

Submissions (2):

Revvity Omics, Revvity
Classification: Likely pathogenic. Last evaluated: 2023-04-11. Review status: criteria provided, single submitter. Criteria: ACMG Guidelines, 2015. Collection method: clinical testing. Allele origin: germline.

Labcorp Genetics (formerly Invitae), Labcorp
Classification: Pathogenic for Duchenne muscular dystrophy. Last evaluated: 2020-06-18. Review status: criteria provided, single submitter. Criteria: Invitae Variant Classification Sherloc (09022015). Collection method: clinical testing. Allele origin: germline.
Comment: This sequence change creates a premature translational stop signal (p.Gly130*) in the DMD gene. It is expected to result in an absent or disrupted protein product. This variant is not present in population databases (ExAC no frequency). This variant has not been reported in the literature in individuals with DMD-related conditions. Loss-of-function variants in DMD are known to be pathogenic (PMID: 16770791, 25007885). For these reasons, this variant has been classified as Pathogenic.

Literature cited by the submitters: PubMed 16770791 (cited by Labcorp Genetics (formerly Invitae), Labcorp); PubMed 25007885 (cited by Labcorp Genetics (formerly Invitae), Labcorp).